The following is an entry in ClinVar:

NM_000059.4(BRCA2):c.9342_9343insTTTTTTTTTTTTTTTTTTTTTTTTTTTTTTTTTTTTTTTGAGACGGAGTCTCGCTCTGTCGCCCAGGCCGGACTGTGGACTGCAGTGGCGCAATCTCGGCTCACTGCAAGCTCCGCTTCCCGGGTTCACGCCATTCTCCTGCCTCAGCCTCCCGAGTAGCTGGGACTACAGGCGCCCGCCACCGCGCCCGGCTAATTTTTTGTATTTTTAGTAGAGACGGGGTTTCACCTTGTTAGCCAGGATGGTCTCGATCTCCTGACCTCATGATCCACCCGCCTCGGCCTCCCAAAGTGCTGGGATTACAGGCGTGAGCCACCGCGCCCGGCCAATGAGGACATTATT (p.Lys3115delinsPhePhePhePhePhePhePhePhePhePhePhePhePheGluThrGluSerArgSerValAlaGlnAlaGlyLeuTrpThrAlaValAlaGlnSerArgLeuThrAlaSerSerAlaSerArgValHisAlaIleLeuLeuProGlnProProGluTer)

Gene: BRCA2 (BRCA2 DNA repair associated; plus strand). Cytogenetic location: 13q13.1.
Variant type: Insertion.
Coding change: c.9342_9343insTTTTTTTTTTTTTTTTTTTTTTTTTTTTTTTTTTTTTTTGAGACGGAGTCTCGCTCTGTCGCCCAGGCCGGACTGTGGACTGCAGTGGCGCAATCTCGGCTCACTGCAAGCTCCGCTTCCCGGGTTCACGCCATTCTCCTGCCTCAGCCTCCCGAGTAGCTGGGACTACAGGCGCCCGCCACCGCGCCCGGCTAATTTTTTGTATTTTTAGTAGAGACGGGGTTTCACCTTGTTAGCCAGGATGGTCTCGATCTCCTGACCTCATGATCCACCCGCCTCGGCCTCCCAAAGTGCTGGGATTACAGGCGTGAGCCACCGCGCCCGGCCAATGAGGACATTATT on transcript NM_000059.4 (MANE Select); coding-DNA positions 9342 to 9343, TTTTTTTTTTTTTTTTTTTTTTTTTTTTTTTTTTTTTTTGAGACGGAGTCTCGCTCTGTCGCCCAGGCCGGACTGTGGACTGCAGTGGCGCAATCTCGGCTCACTGCAAGCTCCGCTTCCCGGGTTCACGCCATTCTCCTGCCTCAGCCTCCCGAGTAGCTGGGACTACAGGCGCCCGCCACCGCGCCCGGCTAATTTTTTGTATTTTTAGTAGAGACGGGGTTTCACCTTGTTAGCCAGGATGGTCTCGATCTCCTGACCTCATGATCCACCCGCCTCGGCCTCCCAAAGTGCTGGGATTACAGGCGTGAGCCACCGCGCCCGGCCAATGAGGACATTATT inserted.
Protein change: p.Lys3115delinsPhePhePhePhePhePhePhePhePhePhePhePhePheGluThrGluSerArgSerValAlaGlnAlaGlyLeuTrpThrAlaValAlaGlnSerArgLeuThrAlaSerSerAlaSerArgValHisAlaIleLeuLeuProGlnProProGluTer.
Molecular consequence: nonsense.
Genome position: GRCh38: chr13:32,394,774-32,394,775. GRCh37 (hg19): chr13:32,968,911-32,968,912.
Identifiers: ClinVar variation 1075386 (VCV001075386.7), dbSNP rs2137652666, ClinGen allele CA2499222378.

ClinVar aggregate classification (germline): Pathogenic (1 of 4 stars; one submission).

Conditions:
Hereditary breast ovarian cancer syndrome. Also called: Hereditary breast and ovarian cancer; Breast and ovarian cancer; BRCA1- and BRCA2-Associated Hereditary Breast and Ovarian Cancer; Hereditary breast and/or ovarian cancer syndrome; Hereditary breast and ovarian cancer syndrome; Hereditary breast and ovarian cancer syndrome (HBOC). Identifiers: Orphanet 145, MedGen C0677776, MeSH D061325, MONDO:0003582. Disease mechanism: loss of function.

Submission:

Labcorp Genetics (formerly Invitae), Labcorp
Classification: Pathogenic for Hereditary breast ovarian cancer syndrome. Last evaluated: 2026-01-10. Review status: criteria provided, single submitter. Criteria: Invitae Variant Classification Sherloc (09022015). Collection method: clinical testing. Allele origin: germline.
Comment: This sequence change inserts a large fragment of DNA, likely a transposable element, in exon 25 of the BRCA2 gene (c.9342_9343ins?), causing a frameshift at codon 3114 (p.Ile3114fs). The exact size and sequence of the insertion cannot be determined by the current assay. However, the insertion is expected to result in an absent or disrupted protein product. This variant is not present in population databases (gnomAD no frequency). This variant has not been reported in the literature in individuals affected with BRCA2-related conditions. ClinVar contains an entry for this variant (Variation ID: 1075386). RNA analysis performed to evaluate the impact of a similar variant on mRNA splicing indicates it does not significantly alter splicing (internal data). Retrotransposon insertions including LINE1 (L1), Alu, and SVA (SINE-VNTR-Alu) have been reported to be disease-causing through disruption of either a coding region or splice site (PMID: 19763152, 20307669, 22406018) and loss-of-function variants in BRCA2 are known to be pathogenic (PMID: 20104584). For these reasons, this variant has been classified as Pathogenic.

Literature cited by the submitters: PubMed 19763152; PubMed 20307669; PubMed 22406018; PubMed 20104584.